The following is an entry in ClinVar:

NM_001037.5(SCN1B):c.*534C>T

Gene: SCN1B (sodium voltage-gated channel beta subunit 1; plus strand). Cytogenetic location: 19q13.11.
Variant type: single nucleotide variant.
Coding change: c.*534C>T on transcript NM_001037.5 (MANE Select); 534 bases downstream of the stop codon, C replaced by T.
Molecular consequence: 3 prime UTR variant.
Genome position (GRCh38, 1-based): chr19:35,040,325, C>T. VCF-style: chr19-35040325-C-T. GRCh37 (hg19) VCF-style: chr19-35531229-C-T.
Other names: c.*534C>T (NM_001321605.2).
Identifiers: ClinVar variation 891611 (VCV000891611.4), dbSNP rs72550266, ClinGen allele CA307708325.

ClinVar aggregate classification (germline): Benign/Likely benign. Review status: criteria provided, single submitter (1 of 4 stars). 2 submissions from 1 submitter: Benign (1); Likely benign (1). Last evaluated 2018-01-13.

Conditions:
Brugada syndrome 5 (BRGDA5). Identifiers: Orphanet 130, Orphanet 871, MedGen C2748541, MONDO:0013015, OMIM 612838.
Generalized epilepsy with febrile seizures plus, type 1 (GEFSP1). Also called: GEFS+, TYPE 1. Identifiers: Orphanet 36387, MedGen C1858672, MONDO:0011416, OMIM 604233.

Allele frequency attached by ClinVar (database versions not stated): 1000 Genomes Project 0.00180; gnomAD 0.00195 and 0.00213; gnomAD exomes 0.00220; TOPMed 0.00220; 1000 Genomes Project 30x 0.00234.
gnomAD v4.1: 355 of 163,284 alleles (0.22%); highest among the groups gnomAD compares: South Asian, 0.72%; 2 homozygotes.

Submissions (2):

Illumina Laboratory Services, Illumina
Classification: Likely benign for Generalized epilepsy with febrile seizures plus, type 1. Last evaluated: 2018-01-13. Review status: criteria provided, single submitter. Criteria: ICSL Variant Classification Criteria 13 December 2019. Collection method: clinical testing. Allele origin: germline.
Comment: This variant was observed in the ICSL laboratory as part of a predisposition screen in an ostensibly healthy population. It had not been previously curated by ICSL or reported in the Human Gene Mutation Database (HGMD: prior to June 1st, 2018), and was therefore a candidate for classification through an automated scoring system. Utilizing variant allele frequency, disease prevalence and penetrance estimates, and inheritance mode, an automated score was calculated to assess if this variant is too frequent to cause the disease. Based on the score and internal cut-off values, a variant classified as likely benign is not then subjected to further curation. The score for this variant resulted in a classification of likely benign for this disease.

Illumina Laboratory Services, Illumina
Classification: Benign for Brugada syndrome 5. Last evaluated: 2018-01-13. Review status: criteria provided, single submitter. Criteria: ICSL Variant Classification Criteria 13 December 2019. Collection method: clinical testing. Allele origin: germline.
Comment: This variant was observed in the ICSL laboratory as part of a predisposition screen in an ostensibly healthy population. It had not been previously curated by ICSL or reported in the Human Gene Mutation Database (HGMD: prior to June 1st, 2018), and was therefore a candidate for classification through an automated scoring system. Utilizing variant allele frequency, disease prevalence and penetrance estimates, and inheritance mode, an automated score was calculated to assess if this variant is too frequent to cause the disease. Based on the score and internal cut-off values, a variant classified as benign is not then subjected to further curation. The score for this variant resulted in a classification of benign for this disease.